The following is an entry in ClinVar:

ClinVar aggregate classification (germline): Uncertain significance (1 of 4 stars; one submission).

Allele frequency attached by ClinVar (database versions not stated): gnomAD exomes below 0.00001; ExAC 0.00001.
gnomAD v4.1: 4 of 1,599,180 alleles (0.00025%); highest among the groups gnomAD compares: Middle Eastern, 0.017%; no homozygotes.

Submission:

GeneDx
Classification: Uncertain significance. Last evaluated: 2022-04-15. Review status: criteria provided, single submitter. Criteria: GeneDx Variant Classification Process June 2021. Collection method: clinical testing. Allele origin: germline. Affected: yes.
Comment: Not observed at significant frequency in large population cohorts (gnomAD); In silico analysis supports that this missense variant does not alter protein structure/function; Has not been previously published as pathogenic or benign to our knowledge

NM_020320.5(RARS2):c.212A>G (p.Lys71Arg)

Gene: RARS2 (arginyl-tRNA synthetase 2, mitochondrial; minus strand). Cytogenetic location: 6q15.
Variant type: single nucleotide variant.
Coding change: c.212A>G on transcript NM_020320.5 (MANE Select); coding-DNA position 212, A replaced by G.
Protein change: p.Lys71Arg; replaces lysine 71 with arginine.
Molecular consequence: missense variant. On other transcripts: 5 prime UTR variant (7), non-coding transcript variant (23).
Genome position (GRCh38, 1-based): chr6:87,564,131, T>C on the plus strand (A>G on the coding strand, the complement: RARS2 is on the minus strand). VCF-style: chr6-87564131-T-C. GRCh37 (hg19) VCF-style: chr6-88273849-T-C.
Other names: c.-258A>G (NM_001318785.2, NM_001350509.2); c.212A>G, p.Lys71Arg (NM_001350505.2); c.-314A>G (NM_001350506.2, NM_001350507.2, NM_001350510.2 and 1 more transcripts); c.-476A>G (NM_001350508.2); short protein forms K71R.
Identifiers: ClinVar variation 1710796 (VCV001710796.2), dbSNP rs746485365, ClinGen allele CA3916731.
Genomic context (GRCh38, chr6:87,564,131, plus strand): 5'-TACTTTTTTTAATAACAAGTTTATTACAATGTCAAAAAGAGATAATAGTGCTAACGTACC[T>C]TCTCTGCTAGTCTCTTGGCTTGAACTTGAATATCTGGTCTTGAATGGTCATTGTCTTTTT-3'
Protein context (NP_064716.2, residues 61-81): IQVQAKRLAE[Lys71Arg]LRCDTVVSEI